The following is an entry in ClinVar:

NM_004859.4(CLTC):c.3212T>C (p.Ile1071Thr)

Gene: CLTC (clathrin heavy chain; plus strand). Cytogenetic location: 17q23.1.
Variant type: single nucleotide variant.
Coding change: c.3212T>C on transcript NM_004859.4 (MANE Select); coding-DNA position 3212, T replaced by C.
Protein change: p.Ile1071Thr; replaces isoleucine 1071 with threonine.
Molecular consequence: missense variant.
Genome position (GRCh38, 1-based): chr17:59,681,441, T>C. VCF-style: chr17-59681441-T-C. GRCh37 (hg19) VCF-style: chr17-57758802-T-C.
Other names: c.3224T>C, p.Ile1075Thr (NM_001288653.2); short protein forms I1071T, I1075T.
Identifiers: ClinVar variation 3767454 (VCV003767454.1).

ClinVar aggregate classification (germline): Uncertain significance (1 of 4 stars; one submission).

Submission:

GeneDx
Classification: Uncertain significance. Last evaluated: 2024-09-06. Review status: criteria provided, single submitter. Criteria: GeneDx Variant Classification Process June 2021. Collection method: clinical testing. Allele origin: germline. Affected: yes.
Comment: Not observed at significant frequency in large population cohorts (gnomAD); In silico analysis supports that this missense variant has a deleterious effect on protein structure/function; Has not been previously published as pathogenic or benign to our knowledge